The following is an entry in ClinVar:

NM_000051.4(ATM):c.1834C>A (p.Leu612Ile)

Gene: ATM (ATM serine/threonine kinase; plus strand). Cytogenetic location: 11q22.3.
Variant type: single nucleotide variant.
Coding change: c.1834C>A on transcript NM_000051.4 (MANE Select); coding-DNA position 1834, C replaced by A.
Protein change: p.Leu612Ile; replaces leucine 612 with isoleucine.
Molecular consequence: missense variant.
Genome position (GRCh38, 1-based): chr11:108,252,848, C>A. VCF-style: chr11-108252848-C-A. GRCh37 (hg19) VCF-style: chr11-108123575-C-A.
Other names: c.1834C>A, p.Leu612Ile (NM_001351834.2); short protein forms L612I.
Identifiers: ClinVar variation 2818378 (VCV002818378.4), dbSNP rs747242300, ClinGen allele CA6264886.
Genomic context (GRCh38, chr11:108,252,848, plus strand): 5'-TAAGTGAAGCTTTTTGTTTTTCTTTGTAGTAATTTTCCTCATCTTGTACTGGAGAAAATT[C>A]TTGTGAGTCTCACTATGAAAAACTGTAAAGCTGCAATGAATTTTTTCCAAAGCGTGCCAG-3'
Protein context (NP_000042.3, residues 602-622): NFPHLVLEKI[Leu612Ile]VSLTMKNCKA

ClinVar aggregate classification (germline): Uncertain significance. Review status: criteria provided, multiple submitters, no conflicts (2 of 4 stars). 2 submissions from 2 submitters: Uncertain significance (2). Last evaluated 2026-06-01.

Conditions:
Hereditary cancer-predisposing syndrome. Also called: Tumor predisposition; Hereditary neoplastic syndrome; Neoplastic Syndromes, Hereditary; Hereditary Cancer Syndrome. Identifiers: Orphanet 140162, MedGen C0027672, MeSH D009386, MONDO:0015356.
Ataxia-telangiectasia syndrome (AT). Also called: Ataxia-telangiectasia, complementation group E; Ataxia-telangiectasia, complementation group D; LOUIS-BAR SYNDROME; AT, COMPLEMENTATION GROUP C; Cerebello-oculocutaneous telangiectasia; Immunodeficiency with ataxia telangiectasia. Identifiers: Orphanet 100, MedGen C0004135, MONDO:0008840, OMIM 208900.

gnomAD v4.1: 1 of 1,612,914 alleles (0.000062%); highest among the groups gnomAD compares: Non-Finnish European, 0.000085%; no homozygotes.

Submissions (2):

Ambry Genetics
Classification: Uncertain significance for Hereditary cancer-predisposing syndrome. Last evaluated: 2026-06-01. Review status: criteria provided, single submitter. Criteria: Ambry Variant Classification Scheme 2023. Collection method: clinical testing. Allele origin: germline.
Comment: The p.L612I variant (also known as c.1834C>A), located in coding exon 11 of the ATM gene, results from a C to A substitution at nucleotide position 1834. The leucine at codon 612 is replaced by isoleucine, an amino acid with highly similar properties. This variant has been identified in the homozygous state and/or in conjunction with other ATM variant(s) in individual(s) with features consistent with ataxia telangiectasia (Amirifar P et al. Pediatr Allergy Immunol, 2021 Aug;32:1316-1326). This amino acid position is highly conserved in available vertebrate species. In addition, this alteration is predicted to be tolerated by in silico analysis. Based on the available evidence, the clinical significance of this variant remains unclear.

Labcorp Genetics (formerly Invitae), Labcorp
Classification: Uncertain significance for Ataxia-telangiectasia syndrome. Last evaluated: 2023-09-05. Review status: criteria provided, single submitter. Criteria: Invitae Variant Classification Sherloc (09022015). Collection method: clinical testing. Allele origin: germline.
Comment: An algorithm developed to predict the effect of missense changes on protein structure and function (PolyPhen-2) suggests that this variant is likely to be disruptive. In summary, the available evidence is currently insufficient to determine the role of this variant in disease. Therefore, it has been classified as a Variant of Uncertain Significance. This missense change has been observed in individual(s) with ataxia-telangiectasia (PMID: 33547824). This variant is present in population databases (rs747242300, gnomAD 0.0009%). This sequence change replaces leucine, which is neutral and non-polar, with isoleucine, which is neutral and non-polar, at codon 612 of the ATM protein (p.Leu612Ile).

Literature cited by the submitters: PubMed 33547824 (cited by Ambry Genetics and Labcorp Genetics (formerly Invitae), Labcorp).